The following is an entry in ClinVar:

NM_002474.3(MYH11):c.1559A>C (p.Glu520Ala)

Gene: MYH11 (myosin heavy chain 11; minus strand). Cytogenetic location: 16p13.11.
Variant type: single nucleotide variant.
Coding change: c.1559A>C on transcript NM_002474.3 (MANE Select); coding-DNA position 1559, A replaced by C.
Protein change: p.Glu520Ala; replaces glutamic acid 520 with alanine.
Molecular consequence: missense variant.
Genome position (GRCh38, 1-based): chr16:15,757,843, T>G on the plus strand (A>C on the coding strand, the complement: MYH11 is on the minus strand). VCF-style: chr16-15757843-T-G. GRCh37 (hg19) VCF-style: chr16-15851700-T-G.
Other names: c.1580A>C, p.Glu527Ala (NM_001040113.2, NM_001040114.2); c.1559A>C, p.Glu520Ala (NM_022844.3); c.1559A>C (NM_002474.2); short protein forms E520A, E527A.
Identifiers: ClinVar variation 923141 (VCV000923141.8), dbSNP rs2041770602, ClinGen allele CA394870679.

ClinVar aggregate classification (germline): Uncertain significance. Review status: criteria provided, multiple submitters, no conflicts (2 of 4 stars). 3 submissions from 3 submitters: Uncertain significance (3). Last evaluated 2024-05-14.

Conditions:
Familial thoracic aortic aneurysm and aortic dissection (TAAD). Also called: Thoracic aortic aneurysms and dissections. Identifiers: Orphanet 91387, MedGen C4707243, MONDO:0019625.

Allele frequency attached by ClinVar (database versions not stated): gnomAD exomes below 0.00001.

Submissions (3):

All of Us Research Program, National Institutes of Health
Classification: Uncertain significance for Familial thoracic aortic aneurysm and aortic dissection. Last evaluated: 2024-05-14. Review status: criteria provided, single submitter. Criteria: ACMG Guidelines, 2015. Collection method: clinical testing. Allele origin: germline. Inheritance: Autosomal dominant inheritance. Observed: 2 variant alleles, 2 heterozygotes.
Comment: This missense variant replaces glutamic acid with alanine at codon 527 of the MYH11 protein. Computational prediction tools and conservation analyses are inconclusive regarding the impact of this variant on the protein function. Computational splicing tools suggest that this variant may not impact RNA splicing. To our knowledge, functional assays have not been performed for this variant nor has this variant been reported in individuals affected with cardiovascular disorders in the literature. This variant has not been identified in the general population by the Genome Aggregation Database (gnomAD). Available evidence is insufficient to determine the role of this variant in disease conclusively. Therefore, this variant is classified as a Variant of Uncertain Significance.

This study involves interpretation of variants in research participants for the purpose of population health screening. Participant phenotype was not available at the time of variant classification. Additional details can be found in publication PMID: 35346344, PMCID: PMC8962531

Color Diagnostics, LLC DBA Color Health
Classification: Uncertain significance for Familial thoracic aortic aneurysm and aortic dissection. Last evaluated: 2024-03-07. Review status: criteria provided, single submitter. Criteria: ACMG Guidelines, 2015. Collection method: clinical testing. Allele origin: germline.
Comment: This missense variant replaces glutamic acid with alanine at codon 527 of the MYH11 protein. Computational prediction suggests that this variant may have deleterious impact on protein structure and function (internally defined REVEL score threshold >= 0.7, PMID: 27666373). To our knowledge, functional studies have not been reported for this variant. This variant has not been reported in individuals affected with MYH11-related disorders in the literature. This variant has not been identified in the general population by the Genome Aggregation Database (gnomAD). The available evidence is insufficient to determine the role of this variant in disease conclusively. Therefore, this variant is classified as a Variant of Uncertain Significance.

Ambry Genetics
Classification: Uncertain significance for Familial thoracic aortic aneurysm and aortic dissection. Last evaluated: 2023-11-30. Review status: criteria provided, single submitter. Criteria: Ambry Variant Classification Scheme 2023. Collection method: clinical testing. Allele origin: germline.
Comment: The p.E520A variant (also known as c.1559A>C), located in coding exon 12 of the MYH11 gene, results from an A to C substitution at nucleotide position 1559. The glutamic acid at codon 520 is replaced by alanine, an amino acid with dissimilar properties. This amino acid position is conserved. In addition, this alteration is predicted to be deleterious by in silico analysis. Since supporting evidence is limited at this time, the clinical significance of this alteration remains unclear.